The following is an entry in ClinVar:

ClinVar aggregate classification (germline): Uncertain significance (1 of 4 stars; one submission).

Submission:

Labcorp Genetics (formerly Invitae), Labcorp
Classification: Uncertain significance. Last evaluated: 2023-01-19. Review status: criteria provided, single submitter. Criteria: Invitae Variant Classification Sherloc (09022015). Collection method: clinical testing. Allele origin: germline.
Comment: Algorithms developed to predict the effect of missense changes on protein structure and function are either unavailable or do not agree on the potential impact of this missense change (SIFT: "Deleterious"; PolyPhen-2: "Not Available"; Align-GVGD: "Class C55"). In summary, the available evidence is currently insufficient to determine the role of this variant in disease. Therefore, it has been classified as a Variant of Uncertain Significance. This variant disrupts the p.Thr323 amino acid residue in DDX3X. Other variant(s) that disrupt this residue have been determined to be pathogenic (PMID: 32135084). This suggests that this residue is clinically significant, and that variants that disrupt this residue are likely to be disease-causing. This variant has not been reported in the literature in individuals affected with DDX3X-related conditions. This variant is not present in population databases (gnomAD no frequency). This sequence change replaces threonine, which is neutral and polar, with serine, which is neutral and polar, at codon 323 of the DDX3X protein (p.Thr323Ser).

Literature cited by the submitters: PubMed 32135084.

NM_001356.5(DDX3X):c.968C>G (p.Thr323Ser)

Gene: DDX3X (DEAD-box helicase 3 X-linked; plus strand). Cytogenetic location: Xp11.4.
Variant type: single nucleotide variant.
Coding change: c.968C>G on transcript NM_001356.5 (MANE Select); coding-DNA position 968, C replaced by G.
Protein change: p.Thr323Ser; replaces threonine 323 with serine.
Molecular consequence: missense variant. On other transcripts: non-coding transcript variant (1).
Genome position (GRCh38, 1-based): chrX:41,344,342, C>G. VCF-style: chrX-41344342-C-G. GRCh37 (hg19) VCF-style: chrX-41203595-C-G.
Other names: c.968C>G, p.Thr323Ser (NM_001193416.3); c.920C>G, p.Thr307Ser (NM_001193417.3); c.410C>G, p.Thr137Ser (NM_001363819.1); short protein forms T137S, T323S, T307S.
Identifiers: ClinVar variation 2830201 (VCV002830201.3), dbSNP rs1057521603, ClinGen allele CA412771072.
Genomic context (GRCh38, chrX:41,344,342, plus strand): 5'-GTGCCGATATTGGTCAGCAGATTCGAGACTTGGAACGTGGATGCCATTTGTTAGTAGCCA[C>G]TCCAGGACGTCTAGTGGATATGATGGAAAGAGGAAAGATTGGATTAGACTTTTGCAAGTA-3'
Protein context (NP_001347.3, residues 313-333): LERGCHLLVA[Thr323Ser]PGRLVDMMER